The following is an entry in ClinVar:

NM_003676.4(DEGS1):c.764A>G (p.Asn255Ser)

Gene: DEGS1 (delta 4-desaturase, sphingolipid 1; plus strand). Cytogenetic location: 1q42.11.
Variant type: single nucleotide variant.
Coding change: c.764A>G on transcript NM_003676.4 (MANE Select); coding-DNA position 764, A replaced by G.
Protein change: p.Asn255Ser; replaces asparagine 255 with serine.
Molecular consequence: missense variant.
Genome position (GRCh38, 1-based): chr1:224,190,258, A>G. VCF-style: chr1-224190258-A-G. GRCh37 (hg19) VCF-style: chr1-224377960-A-G.
Other names: DEGS1, ASN255SER (rs76818096); c.764A>G, p.Asn255Ser (NM_001321541.2); c.656A>G, p.Asn219Ser (NM_001321542.2); short protein forms N255S, N219S.
Identifiers: ClinVar variation 625852 (VCV000625852.42), dbSNP rs768180196, ClinGen allele CA1413680.

ClinVar aggregate classification (germline): Pathogenic/Likely pathogenic. Review status: criteria provided, multiple submitters, no conflicts (2 of 4 stars). 8 submissions from 8 submitters: Pathogenic (6); Likely pathogenic (1). 1 of the submissions does not count toward it. Last evaluated 2024-02-01.

Conditions:
DEGS1-related disorders.
Leukodystrophy, hypomyelinating, 18. Identifiers: MedGen C5193078, MONDO:0032730, OMIM 618404.
Leukodystrophy. Identifiers: Orphanet 68356, MedGen C0023520, MONDO:0019046, HP:0002415.

Allele frequency attached by ClinVar (database versions not stated): gnomAD 0.00001 and 0.00002; gnomAD exomes 0.00002 and 0.00006; TOPMed 0.00003; ExAC 0.00005.
gnomAD v4.1: 28 of 1,513,304 alleles (0.0019%); highest among the groups gnomAD compares: Middle Eastern, 0.018%; no homozygotes.

Submissions (8):

Neuberg Centre For Genomic Medicine, NCGM
Classification: Pathogenic for Leukodystrophy, hypomyelinating, 18. Last evaluated: 2024-02-01. Review status: criteria provided, single submitter. Criteria: ACMG Guidelines, 2015. Collection method: clinical testing. Allele origin: germline. Inheritance: Autosomal recessive inheritance.
Comment: The missense c.764A>G (p.Asn255Ser) variant in DEGS1 gene has been reported previously in individual(s) affected with DEGS1- related leukodystrophy (Dolgin et al., 2019; Pant et al., 2019). It has also been observed to segregate with disease in related individuals. Fibroblasts derived from patients showed accumulation of the DEGS1 substrate DhCer and an increased DhCer/Cer ratio, consistent with impaired enzyme activity, as well as increased production of reactive oxygen species (ROS) compared to controls. (Pant et al., 2019).

CeGaT Center for Human Genetics Tuebingen
Classification: Pathogenic. Last evaluated: 2022-01-01. Review status: criteria provided, single submitter. Criteria: CeGaT Center For Human Genetics Tuebingen Variant Classification Criteria Version 2. Collection method: clinical testing. Allele origin: germline. Affected: yes. Observed: 2 variant alleles.

Blueprint Genetics
Classification: Pathogenic for DEGS1-related disorders. Last evaluated: 2020-09-22. Review status: criteria provided, single submitter. Criteria: ACMG Guidelines, 2015. Collection method: clinical testing. Allele origin: germline. Affected: yes. Observed: 4 variant alleles.

Institute of Human Genetics, University of Leipzig Medical Center
Classification: Pathogenic for Leukodystrophy, hypomyelinating, 18. Last evaluated: 2020-06-01. Review status: criteria provided, single submitter. Criteria: ACMG Guidelines, 2015. Collection method: clinical testing. Allele origin: germline. Inheritance: Autosomal recessive inheritance. Affected: yes.
Comment: PS3, PM2, PM3, PP1_Moderate

SIB Swiss Institute of Bioinformatics
Classification: Pathogenic for Leukodystrophy, hypomyelinating, 18. Last evaluated: 2019-09-25. Review status: criteria provided, single submitter. Criteria: ACMG Guidelines, 2015. Collection method: curation. Allele origin: unknown.
Comment: This variant is interpreted as a Pathogenic for Leukodystrophy, hypomyelinating, 18, autosomal recessive. The following ACMG Tag(s) were applied: PM2, PM3, PS3, PP1-Moderate.

The Morris Kahn Laboratory of Human Genetics, Ben-gurion University of the Negev
Classification: Pathogenic for Leukodystrophy. Last evaluated: 2019-04-10. Review status: criteria provided, single submitter. Criteria: ACMG Guidelines, 2015. Collection method: clinical testing. Allele origin: germline. Inheritance: Autosomal recessive inheritance. Affected: yes. Observed: 1 variant allele, 1 homozygote.
Comment: DEGS1 inactivating mutations were found to segregate with a form of leukodystrophy in a consanguineous family with 4 affected individuals. Pathogenicity was evaluated by several means.

Juno Genomics, Hangzhou Juno Genomics, Inc
Classification: Likely pathogenic for Leukodystrophy, hypomyelinating, 18. Review status: criteria provided, single submitter. Criteria: ACMG Guidelines, 2015. Collection method: clinical testing. Allele origin: germline.
Comment: Absent from controls (or at extremely low frequency if recessive) in Genome Aggregation Database.;For recessive disorders, detected in trans with a pathogenic variant.;Co-segregation with disease in multiple affected family members.

OMIM
Classification: Pathogenic for LEUKODYSTROPHY, HYPOMYELINATING, 18. Last evaluated: 2020-04-02. Review status: no assertion criteria provided. Collection method: literature only. Allele origin: germline. Not counted in ClinVar's aggregate classification.

Literature cited by the submitters: PubMed 30620337 (cited by SIB Swiss Institute of Bioinformatics and OMIM); PubMed 31186544 (cited by 3 submitters).